The following is an entry in ClinVar:

ClinVar aggregate classification (germline): Uncertain significance. Review status: criteria provided, multiple submitters, no conflicts (2 of 4 stars). 4 submissions from 4 submitters: Uncertain significance (4). Last evaluated 2024-05-08.

Conditions:
Renal carnitine transport defect (CDSP). Also called: Carnitine transporter deficiency; Carnitine Deficiency, Systemic; Primary carnitine deficiency; Systemic primary carnitine deficiency; CARNITINE DEFICIENCY, SYSTEMIC, DUE TO DEFECT IN RENAL REABSORPTION OF CARNITINE; CARNITINE TRANSPORTER, PLASMA-MEMBRANE, DEFICIENCY OF. Identifiers: Orphanet 158, MedGen C0342788, MONDO:0008919, OMIM 212140.
Inborn genetic diseases. Identifiers: MedGen C0950123, MeSH D030342.

Allele frequency attached by ClinVar (database versions not stated): ExAC 0.00001; gnomAD exomes 0.00001; TOPMed 0.00001.
gnomAD v4.1: 6 of 1,613,240 alleles (0.00037%); highest among the groups gnomAD compares: Middle Eastern, 0.017%; no homozygotes.

Submissions (4):

Ambry Genetics
Classification: Uncertain significance for Inborn genetic diseases. Last evaluated: 2024-05-08. Review status: criteria provided, single submitter. Criteria: Ambry Variant Classification Scheme 2023. Collection method: clinical testing. Allele origin: germline.

Labcorp Genetics (formerly Invitae), Labcorp
Classification: Uncertain significance for Renal carnitine transport defect. Last evaluated: 2022-10-24. Review status: criteria provided, single submitter. Criteria: Invitae Variant Classification Sherloc (09022015). Collection method: clinical testing. Allele origin: germline.
Comment: This sequence change replaces phenylalanine, which is neutral and non-polar, with leucine, which is neutral and non-polar, at codon 10 of the SLC22A5 protein (p.Phe10Leu). This variant is present in population databases (rs759420042, gnomAD 0.002%). This variant has not been reported in the literature in individuals affected with SLC22A5-related conditions. ClinVar contains an entry for this variant (Variation ID: 1516651). Advanced modeling of protein sequence and biophysical properties (such as structural, functional, and spatial information, amino acid conservation, physicochemical variation, residue mobility, and thermodynamic stability) performed at Invitae indicates that this missense variant is expected to disrupt SLC22A5 protein function. In summary, the available evidence is currently insufficient to determine the role of this variant in disease. Therefore, it has been classified as a Variant of Uncertain Significance.

Giacomini Lab, University of California, San Francisco
Classification: Uncertain significance for Renal carnitine transport defect. Last evaluated: 2022-10-03. Review status: criteria provided, single submitter. Criteria: ACMG Guidelines, 2015. Collection method: research, in vitro. Allele origin: germline, not applicable.

Neuberg Centre For Genomic Medicine, NCGM
Classification: Uncertain significance for Renal carnitine transport defect. Review status: criteria provided, single submitter. Criteria: ACMG Guidelines, 2015. Collection method: clinical testing. Allele origin: germline. Inheritance: Autosomal recessive inheritance. Affected: yes.
Comment: The missense variant c.28T>C(p.Phe10Leu) in SLC22A5 gene has not been reported previously as a pathogenic variant nor as a benign variant, to our knowledge. The observed variant has allele frequency of 0.0008% in gnomAD exomes database. This variant has been submitted to the ClinVar database as Uncertain Significance. The amino acid change p.Phe10Leu in SLC22A5 is predicted as conserved by GERP++ and PhyloP across 100 vertebrates. The amino acid Phe at position 10 is changed to a Leu changing protein sequence and it might alter its composition and physico-chemical properties. For these reasons, this variant has been classified as Uncertain Significance (VUS).

NM_003060.4(SLC22A5):c.28T>C (p.Phe10Leu)

Gene: SLC22A5 (solute carrier family 22 member 5; plus strand). Cytogenetic location: 5q31.1.
Variant type: single nucleotide variant.
Coding change: c.28T>C on transcript NM_003060.4 (MANE Select); coding-DNA position 28, T replaced by C.
Protein change: p.Phe10Leu; replaces phenylalanine 10 with leucine.
Molecular consequence: missense variant.
Genome position (GRCh38, 1-based): chr5:132,370,000, T>C. VCF-style: chr5-132370000-T-C. GRCh37 (hg19) VCF-style: chr5-131705692-T-C.
Other names: p.Phe10Leu; c.28T>C, p.Phe10Leu (NM_001308122.2); c.28T>C (NM_003060.3); short protein forms F10L.
Identifiers: ClinVar variation 1516651 (VCV001516651.9), dbSNP rs759420042, ClinGen allele CA3403769.